The following is an entry in ClinVar:

ClinVar aggregate classification (germline): Uncertain significance. Review status: criteria provided, multiple submitters, no conflicts (2 of 4 stars). 2 submissions from 2 submitters: Uncertain significance (2). Last evaluated 2026-05-19.

Conditions:
Inborn genetic diseases. Identifiers: MedGen C0950123, MeSH D030342.
PPP1R21-related disorder. Also called: PPP1R21-related condition.

Submissions (2):

PreventionGenetics, part of Exact Sciences
Classification: Uncertain significance for PPP1R21-related condition. Last evaluated: 2026-05-19. Review status: criteria provided, single submitter. Criteria: ACMG Guidelines, 2015. Collection method: clinical testing. Allele origin: germline.
Comment: The PPP1R21 c.292_294delTCT variant is predicted to result in an in-frame deletion (p.Ser98del). This variant has been reported in the compound heterozygous state in an individual with slowly progressive ataxia with cerebellar leukoencephalopathy, mild cognitive impairment and Ewing's Sarcoma/primitive neuroectodermal tumour of the scalp (Patient 55 in Sirchia et al. 2026. PubMed ID: 41619469). This variant is reported in 0.036% of alleles in individuals of South Asian descent in gnomAD. At this time, the clinical significance of this variant is uncertain due to the absence of conclusive functional and genetic evidence.

Ambry Genetics
Classification: Uncertain significance for Inborn genetic diseases. Last evaluated: 2022-02-04. Review status: criteria provided, single submitter. Criteria: Ambry Variant Classification Scheme 2023. Collection method: clinical testing. Allele origin: germline.
Comment: The c.292_294delTCT (p.S98del) alteration is located in exon 4 (coding exon 4) of the PPP1R21 gene. This alteration consists of an in-frame deletion of 3 nucleotides between nucleotide positions c.292 and c.294, resulting in the deletion of 1 residue. Based on insufficient or conflicting evidence, the clinical significance of this alteration remains unclear.

NM_001135629.3(PPP1R21):c.286TCT[2] (p.Ser98del)

Gene: PPP1R21 (protein phosphatase 1 regulatory subunit 21; plus strand). Cytogenetic location: 2p16.3.
Variant type: Microsatellite.
Coding change: c.286TCT[2] on transcript NM_001135629.3 (MANE Select); two copies in a row of the 3-base unit TCT starting at c.286; the reference has three copies in a row; one copy, 3 bases deleted.
Protein change: p.Ser98del; deletes serine 98.
Molecular consequence: inframe deletion. On other transcripts: non-coding transcript variant (1).
Genome position (GRCh38, 1-based): chr2:48,458,144-48,458,146, TCT deleted; deleting any 3 consecutive bases within chr2:48,458,138-48,458,146 gives the same sequence; the position shown is the placement nearest the transcript's 3' end. VCF-style (leftmost placement, unchanged base first): chr2-48458137-ATCT-A. GRCh37 (hg19) VCF-style: chr2-48685276-ATCT-A.
Other names: c.286TCT[2], p.Ser98del (NM_001193475.2, NM_152994.5); short protein forms S98del.
Identifiers: ClinVar variation 2366802 (VCV002366802.3), dbSNP rs756049180, ClinGen allele CA1650806.